The following is an entry in ClinVar:

ClinVar aggregate classification (germline): Uncertain significance. Review status: criteria provided, multiple submitters, no conflicts (2 of 4 stars). 3 submissions from 3 submitters: Uncertain significance (3). Last evaluated 2024-10-24.

Conditions:
Inborn genetic diseases. Identifiers: MedGen C0950123, MeSH D030342.
46,XY sex reversal 9 (SRXY9). Also called: 46,XY SEX REVERSAL, ZFPM2-RELATED. Identifiers: Orphanet 251510, MedGen C4015129, MONDO:0014480, OMIM 616067.

Allele frequency attached by ClinVar (database versions not stated): TOPMed 0.00006; gnomAD 0.00007; gnomAD exomes 0.00009.
gnomAD v4.1: 141 of 1,613,708 alleles (0.0087%); highest among the groups gnomAD compares: Non-Finnish European, 0.01%; no homozygotes.

Submissions (3):

Labcorp Genetics (formerly Invitae), Labcorp
Classification: Uncertain significance for 46,XY sex reversal 9. Last evaluated: 2024-10-24. Review status: criteria provided, single submitter. Criteria: Invitae Variant Classification Sherloc (09022015). Collection method: clinical testing. Allele origin: germline.
Comment: This sequence change replaces threonine, which is neutral and polar, with methionine, which is neutral and non-polar, at codon 450 of the ZFPM2 protein (p.Thr450Met). The frequency data for this variant in the population databases is considered unreliable, as metrics indicate poor data quality at this position in the gnomAD database. This variant has not been reported in the literature in individuals affected with ZFPM2-related conditions. ClinVar contains an entry for this variant (Variation ID: 2301127). An algorithm developed to predict the effect of missense changes on protein structure and function (PolyPhen-2) suggests that this variant¬¨‚Ä†is likely to be tolerated. In summary, the available evidence is currently insufficient to determine the role of this variant in disease. Therefore, it has been classified as a Variant of Uncertain Significance.

Ambry Genetics
Classification: Uncertain significance for Inborn genetic diseases. Last evaluated: 2024-06-10. Review status: criteria provided, single submitter. Criteria: Ambry Variant Classification Scheme 2023. Collection method: clinical testing. Allele origin: germline.

Revvity Omics, Revvity
Classification: Uncertain significance. Last evaluated: 2021-12-14. Review status: criteria provided, single submitter. Criteria: ACMG Guidelines, 2015. Collection method: clinical testing. Allele origin: germline.

NM_012082.4(ZFPM2):c.1349C>T (p.Thr450Met)

Genes: ZFPM2 (zinc finger protein, FOG family member 2; plus strand), ZFPM2-AS1 (ZFPM2 antisense RNA 1; minus strand). Cytogenetic location: 8q23.1.
Variant type: single nucleotide variant.
Coding change: c.1349C>T on transcript NM_012082.4 (MANE Select); coding-DNA position 1349, C replaced by T.
Protein change: p.Thr450Met; replaces threonine 450 with methionine.
Molecular consequence: missense variant.
Genome position (GRCh38, 1-based): chr8:105,801,431, C>T. VCF-style: chr8-105801431-C-T. GRCh37 (hg19) VCF-style: chr8-106813659-C-T.
Other names: c.1190C>T, p.Thr397Met (NM_001362836.2); c.953C>T, p.Thr318Met (NM_001362837.2); short protein forms T318M, T397M, T450M.
Identifiers: ClinVar variation 2301127 (VCV002301127.8), dbSNP rs866092815, ClinGen allele CA182649474.
Genomic context (GRCh38, chr8:105,801,431, plus strand): 5'-AAGATGCGAGCTCTGACACAGAGCTGGACAAGTGTGAGAAAAAGACTCAGCTCTTTCTCA[C>T]GAACCAGAGACCAGAGATACAGCCTACAACAAATAAACAAAGCTTTTCTTACACAAAAAT-3'
Protein context (NP_036214.2, residues 440-460): KCEKKTQLFL[Thr450Met]NQRPEIQPTT